The following is an entry in ClinVar:

NM_003743.5(NCOA1):c.1093G>A (p.Asp365Asn)

Gene: NCOA1 (nuclear receptor coactivator 1; plus strand). Cytogenetic location: 2p23.3.
Variant type: single nucleotide variant.
Coding change: c.1093G>A on transcript NM_003743.5 (MANE Select); coding-DNA position 1093, G replaced by A.
Protein change: p.Asp365Asn; replaces aspartic acid 365 with asparagine.
Molecular consequence: missense variant.
Genome position (GRCh38, 1-based): chr2:24,705,229, G>A. VCF-style: chr2-24705229-G-A. GRCh37 (hg19) VCF-style: chr2-24928098-G-A.
Other names: c.1093G>A, p.Asp365Asn (NM_001362950.1, NM_001362952.1, NM_001362954.1 and 3 more transcripts); short protein forms D365N.
Identifiers: ClinVar variation 3350980 (VCV003350980.2).

ClinVar aggregate classification (germline): Uncertain significance (1 of 4 stars; one submission).

Conditions:
NCOA1-related disorder. Also called: NCOA1-related condition.

gnomAD v4.1: 16 of 1,613,608 alleles (0.00099%); highest among the groups gnomAD compares: Admixed American, 0.013%; no homozygotes.

Submission:

PreventionGenetics, part of Exact Sciences
Classification: Uncertain significance for NCOA1-related condition. Last evaluated: 2025-07-09. Review status: criteria provided, single submitter. Criteria: ACMG Guidelines, 2015. Collection method: clinical testing. Allele origin: germline.
Comment: The NCOA1 c.1093G>A variant is predicted to result in the amino acid substitution p.Asp365Asn. To our knowledge, this variant has not been reported in the literature. This variant is reported in 0.011% of alleles in individuals of Latino descent in gnomAD. At this time, the clinical significance of this variant is uncertain due to the absence of conclusive functional and genetic evidence.